The following is an entry in ClinVar:

NM_016222.4(DDX41):c.367G>A (p.Gly123Ser)

Gene: DDX41 (DEAD-box helicase 41; minus strand). Cytogenetic location: 5q35.3.
Variant type: single nucleotide variant.
Coding change: c.367G>A on transcript NM_016222.4 (MANE Select); coding-DNA position 367, G replaced by A.
Protein change: p.Gly123Ser; replaces glycine 123 with serine.
Molecular consequence: missense variant. On other transcripts: 5 prime UTR variant (2).
Genome position (GRCh38, 1-based): chr5:177,516,125, C>T on the plus strand (G>A on the coding strand, the complement: DDX41 is on the minus strand). VCF-style: chr5-177516125-C-T. GRCh37 (hg19) VCF-style: chr5-176943126-C-T.
Other names: c.-12G>A (NM_001321732.2, NM_001321830.2); c.367G>A (NM_016222.2); short protein forms G123S.
Identifiers: ClinVar variation 3011159 (VCV003011159.5), dbSNP rs764853110, ClinGen allele CA3585251.

ClinVar aggregate classification (germline): Uncertain significance. Review status: criteria provided, multiple submitters, no conflicts (2 of 4 stars). 3 submissions from 3 submitters: Uncertain significance (3). Last evaluated 2025-12-15.

Conditions:
DDX41-related hematologic malignancy predisposition syndrome. Also called: DDX41-Associated Familial Myelodysplastic Syndrome and Acute Myeloid Leukemia; Myeloproliferative/lymphoproliferative neoplasms, familial (multiple types), susceptibility to. Identifiers: Orphanet 488647, MedGen C4225174, MONDO:0014809, OMIM 616871.
Inborn genetic diseases. Identifiers: MedGen C0950123, MeSH D030342.

Allele frequency attached by ClinVar (database versions not stated): gnomAD exomes 0.00001; TOPMed 0.00001; ExAC 0.00002; gnomAD 0.00002.

Submissions (3):

Labcorp Genetics (formerly Invitae), Labcorp
Classification: Uncertain significance. Last evaluated: 2025-12-15. Review status: criteria provided, single submitter. Criteria: Invitae Variant Classification Sherloc (09022015). Collection method: clinical testing. Allele origin: germline.
Comment: This sequence change replaces glycine, which is neutral and non-polar, with serine, which is neutral and polar, at codon 123 of the DDX41 protein (p.Gly123Ser). This variant is present in population databases (rs764853110, gnomAD 0.02%). This missense change has been observed in individual(s) with DDX41-related conditions (PMID: 35671390, 37506341). ClinVar contains an entry for this variant (Variation ID: 3011159). An algorithm developed to predict the effect of missense changes on protein structure and function (PolyPhen-2) suggests that this variant is likely to be tolerated. In summary, the available evidence is currently insufficient to determine the role of this variant in disease. Therefore, it has been classified as a Variant of Uncertain Significance.

Ambry Genetics
Classification: Uncertain significance for Inborn genetic diseases. Last evaluated: 2025-01-08. Review status: criteria provided, single submitter. Criteria: Ambry Variant Classification Scheme 2023. Collection method: clinical testing. Allele origin: germline.
Comment: The p.G123S variant (also known as c.367G>A), located in coding exon 4 of the DDX41 gene, results from a G to A substitution at nucleotide position 367. The glycine at codon 123 is replaced by serine, an amino acid with similar properties. This amino acid position is highly conserved in available vertebrate species. In addition, this alteration is predicted to be tolerated by in silico analysis. Based on the available evidence, the clinical significance of this variant remains unclear.

Baylor Genetics
Classification: Uncertain significance for DDX41-related hematologic malignancy predisposition syndrome. Last evaluated: 2024-03-15. Review status: criteria provided, single submitter. Criteria: ACMG Guidelines, 2015. Collection method: clinical testing. Allele origin: unknown.

Literature cited by the submitters: PubMed 35671390 (cited by Labcorp Genetics (formerly Invitae), Labcorp); PubMed 37506341 (cited by Labcorp Genetics (formerly Invitae), Labcorp).